The following is an entry in ClinVar:

ClinVar aggregate classification (germline): Uncertain significance (1 of 4 stars; one submission).

Conditions:
Hereditary cancer-predisposing syndrome. Also called: Neoplastic Syndromes, Hereditary; Tumor predisposition; Hereditary Cancer Syndrome; Hereditary neoplastic syndrome. Identifiers: Orphanet 140162, MedGen C0027672, MeSH D009386, MONDO:0015356.

Submission:

Ambry Genetics
Classification: Uncertain significance for Hereditary cancer-predisposing syndrome. Last evaluated: 2025-10-30. Review status: criteria provided, single submitter. Criteria: Ambry Variant Classification Scheme 2023. Collection method: clinical testing. Allele origin: germline.
Comment: The p.H103Q variant (also known as c.309T>G), located in coding exon 2 of the POLD1 gene, results from a T to G substitution at nucleotide position 309. The histidine at codon 103 is replaced by glutamine, an amino acid with highly similar properties. This amino acid position is conserved. In addition, this alteration is predicted to be tolerated by in silico analysis. Based on the available evidence, the clinical significance of this variant remains unclear.

NM_002691.4(POLD1):c.309T>G (p.His103Gln)

Gene: POLD1 (DNA polymerase delta 1, catalytic subunit; plus strand). Cytogenetic location: 19q13.33.
Variant type: single nucleotide variant.
Coding change: c.309T>G on transcript NM_002691.4 (MANE Select); coding-DNA position 309, T replaced by G.
Protein change: p.His103Gln; replaces histidine 103 with glutamine.
Molecular consequence: missense variant. On other transcripts: non-coding transcript variant (1).
Genome position (GRCh38, 1-based): chr19:50,399,477, T>G. VCF-style: chr19-50399477-T-G. GRCh37 (hg19) VCF-style: chr19-50902734-T-G.
Other names: c.309T>G, p.His103Gln (NM_001256849.1, NM_001308632.1, NM_001438210.1 and 3 more transcripts); short protein forms H103Q.
Identifiers: ClinVar variation 4669210 (VCV004669210.1).
Genomic context (GRCh38, chr19:50,399,477, plus strand): 5'-ACCACCAGCGCTGGACCCCCAGACAGAGCCCCTCATCTTCCAACAGTTGGAGATTGACCA[T>G]TATGTGGGTGAGTTTAGGGGTTATGGGTGAGTGCTGGGGCCCTGCGCTCCTGGGGCAGAG-3'
Protein context (NP_002682.2, residues 93-113): PLIFQQLEID[His103Gln]YVGPAQPVPG